The following is an entry in ClinVar:

ClinVar aggregate classification (germline): Uncertain significance (1 of 4 stars; one submission).

Allele frequency attached by ClinVar (database versions not stated): gnomAD exomes below 0.00001; TOPMed below 0.00001; gnomAD 0.00001.
gnomAD v4.1: 4 of 1,613,250 alleles (0.00025%); highest among the groups gnomAD compares: African/African-American, 0.0013%; no homozygotes.

Submission:

Labcorp Genetics (formerly Invitae), Labcorp
Classification: Uncertain significance. Last evaluated: 2024-01-29. Review status: criteria provided, single submitter. Criteria: Invitae Variant Classification Sherloc (09022015). Collection method: clinical testing. Allele origin: germline.
Comment: This sequence change replaces asparagine, which is neutral and polar, with serine, which is neutral and polar, at codon 807 of the PDE6C protein (p.Asn807Ser). This variant is present in population databases (no rsID available, gnomAD 0.007%). This variant has not been reported in the literature in individuals affected with PDE6C-related conditions. ClinVar contains an entry for this variant (Variation ID: 1979489). Advanced modeling of protein sequence and biophysical properties (such as structural, functional, and spatial information, amino acid conservation, physicochemical variation, residue mobility, and thermodynamic stability) performed at Invitae indicates that this missense variant is not expected to disrupt PDE6C protein function with a negative predictive value of 80%. In summary, the available evidence is currently insufficient to determine the role of this variant in disease. Therefore, it has been classified as a Variant of Uncertain Significance.

NM_006204.4(PDE6C):c.2420A>G (p.Asn807Ser)

Gene: PDE6C (phosphodiesterase 6C; plus strand). Cytogenetic location: 10q23.33.
Variant type: single nucleotide variant.
Coding change: c.2420A>G on transcript NM_006204.4 (MANE Select); coding-DNA position 2420, A replaced by G.
Protein change: p.Asn807Ser; replaces asparagine 807 with serine.
Molecular consequence: missense variant.
Genome position (GRCh38, 1-based): chr10:93,663,080, A>G. VCF-style: chr10-93663080-A-G. GRCh37 (hg19) VCF-style: chr10-95422837-A-G.
Other names: short protein forms N807S.
Identifiers: ClinVar variation 1979489 (VCV001979489.4), dbSNP rs1221473044, ClinGen allele CA377629258.